The following is an entry in ClinVar:

ClinVar aggregate classification (germline): Benign/Likely benign. Review status: criteria provided, multiple submitters, no conflicts (2 of 4 stars). 7 submissions from 7 submitters: Benign (1); Likely benign (6). Last evaluated 2026-08-01.

Conditions:
Immunodeficiency 35 (IMD35). Also called: Susceptibility to infection due to TYK2 deficiency; TYK2 DEFICIENCY; HIES WITH ATYPICAL MYCOBACTERIOSIS, AUTOSOMAL RECESSIVE; HYPER-IgE SYNDROME WITH ATYPICAL MYCOBACTERIOSIS, AUTOSOMAL RECESSIVE. Identifiers: Orphanet 331226, MedGen C1969086, MONDO:0012682, OMIM 611521.

Allele frequency attached by ClinVar (database versions not stated): 1000 Genomes Project 30x 0.00109; TOPMed 0.00453; gnomAD 0.00460 and 0.00499; gnomAD exomes 0.00464 and 0.00662; ExAC 0.00511; ESP Exome Variant Server 0.00600; 1000 Genomes Project 0.00100.
gnomAD v4.1: 10,241 of 1,613,810 alleles (0.63%); highest among the groups gnomAD compares: Non-Finnish European, 0.78%; 54 homozygotes.

Submissions (7):

CeGaT Center for Human Genetics Tuebingen
Classification: Likely benign. Last evaluated: 2026-08-01. Review status: criteria provided, single submitter. Criteria: CeGaT Center For Human Genetics Tuebingen Variant Classification Criteria Version 2. Collection method: clinical testing. Allele origin: germline. Affected: yes. Observed: 6 variant alleles.
Comment: TYK2: BS2

Labcorp Genetics (formerly Invitae), Labcorp
Classification: Benign for Immunodeficiency 35. Last evaluated: 2026-02-01. Review status: criteria provided, single submitter. Criteria: Invitae Variant Classification Sherloc (09022015). Collection method: clinical testing. Allele origin: germline.

GeneDx
Classification: Likely benign. Last evaluated: 2020-10-12. Review status: criteria provided, single submitter. Criteria: GeneDx Variant Classification Process June 2021. Collection method: clinical testing. Allele origin: germline. Affected: yes.
Comment: This variant is associated with the following publications: (PMID: 18270328, 25849893, 26338038, 17344846, 22543157, 30224649, 32707200)

Illumina Laboratory Services, Illumina
Classification: Likely benign for Immunodeficiency 35. Last evaluated: 2018-01-13. Review status: criteria provided, single submitter. Criteria: ICSL Variant Classification Criteria 13 December 2019. Collection method: clinical testing. Allele origin: germline.
Comment: This variant was observed in the ICSL laboratory as part of a predisposition screen in an ostensibly healthy population. It had not been previously curated by ICSL or reported in the Human Gene Mutation Database (HGMD: prior to June 1st, 2018), and was therefore a candidate for classification through an automated scoring system. Utilizing variant allele frequency, disease prevalence and penetrance estimates, and inheritance mode, an automated score was calculated to assess if this variant is too frequent to cause the disease. Based on the score and internal cut-off values, a variant classified as likely benign is not then subjected to further curation. The score for this variant resulted in a classification of likely benign for this disease.

Knight Diagnostic Laboratories, Oregon Health and Sciences University
Classification: Likely benign for Immunodeficiency 35. Last evaluated: 2017-11-10. Review status: criteria provided, single submitter. Criteria: ACMG Guidelines, 2015. Collection method: clinical testing. Allele origin: germline. Observed: 1 variant allele.

Center for Pediatric Genomic Medicine, Children's Mercy Hospital and Clinics
Classification: Likely benign. Last evaluated: 2017-06-14. Review status: criteria provided, single submitter. Criteria: ACMG Guidelines, 2015. Collection method: clinical testing. Allele origin: germline.

Eurofins Ntd Llc (ga)
Classification: Likely benign. Last evaluated: 2016-04-01. Review status: criteria provided, single submitter. Criteria: EGL Classification Definitions 2015. Collection method: clinical testing. Allele origin: germline. Observed: 1 variant allele, 1 heterozygote.

NM_003331.5(TYK2):c.2783C>T (p.Ala928Val)

Gene: TYK2 (tyrosine kinase 2; minus strand). Cytogenetic location: 19p13.2.
Variant type: single nucleotide variant.
Coding change: c.2783C>T on transcript NM_003331.5 (MANE Select); coding-DNA position 2783, C replaced by T.
Protein change: p.Ala928Val; replaces alanine 928 with valine.
Molecular consequence: missense variant.
Genome position (GRCh38, 1-based): chr19:10,354,167, G>A on the plus strand (C>T on the coding strand, the complement: TYK2 is on the minus strand). VCF-style: chr19-10354167-G-A. GRCh37 (hg19) VCF-style: chr19-10464843-G-A.
Other names: c.2783C>T (LRG_121t1); short protein forms A928V.
Identifiers: ClinVar variation 287098 (VCV000287098.63), dbSNP rs35018800, ClinGen allele CA9192922.